The following is an entry in ClinVar:

NM_001127222.2(CACNA1A):c.7109G>A (p.Arg2370Gln)

Gene: CACNA1A (calcium voltage-gated channel subunit alpha1 A; minus strand). Cytogenetic location: 19p13.13.
Variant type: single nucleotide variant.
Coding change: c.7109G>A on transcript NM_001127222.2 (MANE Select); coding-DNA position 7109, G replaced by A.
Protein change: p.Arg2370Gln; replaces arginine 2370 with glutamine.
Molecular consequence: missense variant. On other transcripts: 3 prime UTR variant (3).
Genome position (GRCh38, 1-based): chr19:13,207,725, C>T on the plus strand (G>A on the coding strand, the complement: CACNA1A is on the minus strand). VCF-style: chr19-13207725-C-T. GRCh37 (hg19) VCF-style: chr19-13318539-C-T.
Other names: c.*321G>A (NM_000068.4, NM_001127221.2, NM_001174080.2); c.7127G>A, p.Arg2376Gln (NM_023035.3); short protein forms R2370Q, R2376Q.
Identifiers: ClinVar variation 1805843 (VCV001805843.1), dbSNP rs913556946, ClinGen allele CA305546565.

ClinVar aggregate classification (germline): Uncertain significance (1 of 4 stars; one submission).

Conditions:
Migraine, familial hemiplegic, 1. Also called: MIGRAINE, FAMILIAL HEMIPLEGIC 1, WITH PROGRESSIVE CEREBELLAR ATAXIA. Identifiers: Orphanet 569, MedGen C1832884, MONDO:0020756, OMIM 141500, MONDO:0007714.

Allele frequency attached by ClinVar (database versions not stated): gnomAD 0.00003; TOPMed 0.00003.
gnomAD v4.1: 16 of 1,370,242 alleles (0.0012%); highest among the groups gnomAD compares: African/African-American, 0.0076%; no homozygotes.

Submission:

Victorian Clinical Genetics Services, Murdoch Childrens Research Institute
Classification: Uncertain significance for Migraine, familial hemiplegic, 1. Last evaluated: 2020-10-19. Review status: criteria provided, single submitter. Criteria: ACMG Guidelines, 2015. Collection method: clinical testing. Allele origin: germline. Inheritance: Autosomal dominant inheritance.
Comment: Based on the classification scheme VCGS_Germline_v1.1.1, this variant is classified as 3C-VUS. Following criteria are met: 0103 - Both loss- and gain-of-function are known mechanisms of disease for this gene (PMID: 28566750). (N) 0107 - This gene is known to be associated with autosomal dominant disease. (N) 0112 - Variants in this gene are known to have reduced penetrance. Reduced pentrance has been reported for episodic ataxia, type 2 (OMIM; PMID: 20129625). (N) 0200 - Variant is predicted to result in a missense amino acid change from arginine to glutamine. (N) 0251 - Variant is heterozygous. (N) 0302 - Variant is present in gnomAD (v3) <0.001 for a dominant condition (5 heterozygotes, 0 homozygotes). (P) 0309 - An alternative amino acid change at the same position has been observed in gnomAD (v2) (3 heterozygotes, 0 homozygotes). (N) 0503 - Missense variant consistently predicted to be tolerated or not conserved in mammals with a minor amino acid change. (B) 0604 - Variant is not located in an established domain, motif, hotspot or informative constraint region. (N) 0705 - No comparable variants have previous evidence for pathogenicity. (N) 0807 - Variant has not previously been reported in a clinical context. (N) 0905 - No segregation evidence has been identified for this variant. (N) 1007 - No published functional evidence has been identified for this variant. (N) Legend: (P) - Pathogenic, (N) - Neutral, (B) - Benign

Literature cited by the submitters: PubMed 20129625; PubMed 28566750.